The following is an entry in ClinVar:

NM_003906.5(MCM3AP):c.2588C>G (p.Ser863Cys)

Gene: MCM3AP (minichromosome maintenance complex component 3 associated protein; minus strand). Cytogenetic location: 21q22.3.
Variant type: single nucleotide variant.
Coding change: c.2588C>G on transcript NM_003906.5 (MANE Select); coding-DNA position 2588, C replaced by G.
Protein change: p.Ser863Cys; replaces serine 863 with cysteine.
Molecular consequence: missense variant.
Genome position (GRCh38, 1-based): chr21:46,270,441, G>C on the plus strand (C>G on the coding strand, the complement: MCM3AP is on the minus strand). VCF-style: chr21-46270441-G-C. GRCh37 (hg19) VCF-style: chr21-47690355-G-C.
Other names: short protein forms S863C.
Identifiers: ClinVar variation 3293670 (VCV003293670.2).

ClinVar aggregate classification (germline): Uncertain significance. Review status: criteria provided, multiple submitters, no conflicts (2 of 4 stars). 2 submissions from 2 submitters: Uncertain significance (2). Last evaluated 2025-12-14.

Conditions:
Inborn genetic diseases. Identifiers: MedGen C0950123, MeSH D030342.

Submissions (2):

Labcorp Genetics (formerly Invitae), Labcorp
Classification: Uncertain significance. Last evaluated: 2025-12-14. Review status: criteria provided, single submitter. Criteria: Invitae Variant Classification Sherloc (09022015). Collection method: clinical testing. Allele origin: germline.
Comment: This sequence change replaces serine, which is neutral and polar, with cysteine, which is neutral and slightly polar, at codon 863 of the MCM3AP protein (p.Ser863Cys). This variant is not present in population databases (gnomAD no frequency). This variant has not been reported in the literature in individuals affected with MCM3AP-related conditions. ClinVar contains an entry for this variant (Variation ID: 3293670). An algorithm developed to predict the effect of missense changes on protein structure and function (PolyPhen-2) suggests that this variant is likely to be disruptive. In summary, the available evidence is currently insufficient to determine the role of this variant in disease. Therefore, it has been classified as a Variant of Uncertain Significance.

Ambry Genetics
Classification: Uncertain significance for Inborn genetic diseases. Last evaluated: 2024-03-19. Review status: criteria provided, single submitter. Criteria: Ambry Variant Classification Scheme 2023. Collection method: clinical testing. Allele origin: germline.